The following is an entry in ClinVar:

NM_000545.8(HNF1A):c.503G>A (p.Arg168His)

Gene: HNF1A (HNF1 homeobox A; plus strand). Cytogenetic location: 12q24.31.
Variant type: single nucleotide variant.
Coding change: c.503G>A on transcript NM_000545.8 (MANE Select); coding-DNA position 503, G replaced by A.
Protein change: p.Arg168His; replaces arginine 168 with histidine.
Molecular consequence: missense variant.
Genome position (GRCh38, 1-based): chr12:120,989,009, G>A. VCF-style: chr12-120989009-G-A. GRCh37 (hg19) VCF-style: chr12-121426812-G-A.
Other names: NM_000545.8(HNF1A):c.503G>A; p.Arg168His; c.503G>A, p.Arg168His (NM_001306179.2); short protein forms R168H.
Identifiers: ClinVar variation 972756 (VCV000972756.7), dbSNP rs377110124, ClinGen allele CA6831762.
Genomic context (GRCh38, chr12:120,989,009, plus strand): 5'-TCAACAAGGGCACTCCCATGAAGACGCAGAAGCGGGCCGCCCTGTACACCTGGTACGTCC[G>A]CAAGCAGCGAGAGGTGGCGCAGCGTAAGTAATGACCCTACCCCGCATCTTCCCTGGGAGG-3'
Protein context (NP_000536.6, residues 158-178): KRAALYTWYV[Arg168His]KQREVAQQFT

ClinVar aggregate classification (germline): Likely benign. Review status: reviewed by expert panel (3 of 4 stars). 4 submissions from 4 submitters: Likely benign (1). 3 of the submissions do not count toward it. Last evaluated 2024-10-24.

Conditions:
Monogenic diabetes. Identifiers: Orphanet 183625, MedGen C3888631, MONDO:0015967.
Maturity-onset diabetes of the young type 3. Also called: MODY type 3; MODY, type III. Identifiers: Orphanet 552, MedGen C1838100, MeSH C563933, MONDO:0010894, OMIM 600496. Disease mechanism: loss of function.

Allele frequency attached by ClinVar (database versions not stated): gnomAD 0.00001; gnomAD exomes 0.00003; TOPMed 0.00004; ExAC 0.00005; ESP Exome Variant Server 0.00008.

Submissions (4):

ClinGen Monogenic Diabetes Variant Curation Expert Panel
Classification: Likely benign for Monogenic diabetes. Last evaluated: 2024-10-24. Review status: reviewed by expert panel. Criteria: ClinGen Diabetes ACMG Specifications HNF1A V2.1.0. Collection method: curation. Allele origin: germline. Inheritance: Autosomal dominant inheritance.
Comment: The c.503G>A variant in the HNF1 homeobox A gene, HNF1A, causes an amino acid change of arginine to histidine at codon 168 (p.(Arg168His)) of NM_000545.8. This variant is located within a conserved region of the DNA binding domain (codons 107-174 and 201-280) of HNF1A, which is defined as critical for the protein’s function by the ClinGen MDEP (PM1_Supporting). This variant is predicted to be deleterious by computational evidence, with a REVEL score of 0.886, which is greater than the MDEP VCEP threshold of 0.70 (PP3). The Grpmax filtering allele frequency of the c.503G>A variant in gnomAD v2.1.1 is 0.000017, which falls between ClinGen MDEP-established cutoffs for PM2_Supporting and BS1; thus, neither criterion will be applied. This variant was identified in a total of eight unrelated individuals with non-autoimmune and non-absolute/near-absolute insulin-deficient diabetes (internal lab contributors). However, in one case this variant was detected in trans with another variant in HNF1A that is classified as likely pathogenic by the ClinGen MDEP (BP2, internal lab contributors). In another case, this variant was detected in an individual with diabetes, who also harbored a whole gene deletion of HNF1B (BP5, internal lab contributors). Therefore, that leaves six individuals with non-autoimmune and non-absolute/near-absolute insulin-deficient diabetes and this variant (PS4_Moderate, internal lab contributors). Another missense variant at the same codon, c.503G>C p.Arg168Pro, has been classified as a VUS by the ClinGen MDEP; therefore, PM5 will not be applied. In summary, c.503G>A meets the criteria to be classified as likely benign for monogenic diabetes. ACMG/AMP criteria applied, as specified by the ClinGen MDEP (specification version 2.1.0, approved 8/11/2023): BS2, BP2, BP5, PS4_Moderate, PP3, PM1_Supporting.

Labcorp Genetics (formerly Invitae), Labcorp
Classification: Uncertain significance. Last evaluated: 2024-02-03. Review status: criteria provided, single submitter. Criteria: Invitae Variant Classification Sherloc (09022015). Collection method: clinical testing. Allele origin: germline. Not counted in ClinVar's aggregate classification.
Comment: This sequence change replaces arginine, which is basic and polar, with histidine, which is basic and polar, at codon 168 of the HNF1A protein (p.Arg168His). This variant is present in population databases (rs377110124, gnomAD 0.006%). This missense change has been observed in individual(s) with HNF1A-related conditions (PMID: 23348805). ClinVar contains an entry for this variant (Variation ID: 972756). Advanced modeling of protein sequence and biophysical properties (such as structural, functional, and spatial information, amino acid conservation, physicochemical variation, residue mobility, and thermodynamic stability) performed at Invitae indicates that this missense variant is not expected to disrupt HNF1A protein function with a negative predictive value of 80%. In summary, the available evidence is currently insufficient to determine the role of this variant in disease. Therefore, it has been classified as a Variant of Uncertain Significance.

Blueprint Genetics
Classification: Uncertain significance. Last evaluated: 2023-01-09. Review status: criteria provided, single submitter. Criteria: ACMG Guidelines, 2015. Collection method: clinical testing. Allele origin: germline. Not counted in ClinVar's aggregate classification.

Broad Center for Mendelian Genomics, Broad Institute of MIT and Harvard
Classification: Uncertain significance for Maturity-onset diabetes of the young type 3. Last evaluated: 2020-01-22. Review status: criteria provided, single submitter. Criteria: ACMG Guidelines, 2015. Collection method: curation. Allele origin: germline. Inheritance: Autosomal dominant inheritance. Not counted in ClinVar's aggregate classification.
Comment: The p.Arg168His variant in HNF1A has not been previously reported in individuals with maturity-onset diabetes of the young and has been identified in 0.007% (2/30614) of South Asian chromosomes and 0.004% (5/113442) of European (non-Finnish) chromosomes by the Genome Aggregation Database (gnomAD; dbSNP rs377110124). Computational prediction tools and conservation analyses suggest that this variant may impact the protein, though this information is not predictive enough to determine pathogenicity. In summary, the clinical significance of the p.Arg168His variant is uncertain. ACMG/AMP Criteria applied: BS1, PP3 (Richards 2015).

Literature cited by the submitters: PubMed 23348805 (cited by Labcorp Genetics (formerly Invitae), Labcorp).